The following is an entry in ClinVar:

NM_000444.6(PHEX):c.2216_2225del (p.Met739fs)

Genes: PHEX (phosphate regulating endopeptidase X-linked; plus strand), PTCHD1-AS (PTCHD1 and PHEX antisense RNA; minus strand). Cytogenetic location: Xp22.11.
Variant type: Deletion.
Coding change: c.2216_2225del on transcript NM_000444.6 (MANE Select); coding-DNA positions 2216 to 2225, 10 bases deleted (TGAACAGAGG; older notation c.2216_2225delTGAACAGAGG).
Protein change: p.Met739fs; shifts the reading frame from methionine 739.
Molecular consequence: frameshift variant. On other transcripts: 3 prime UTR variant (1).
Genome position (GRCh38, 1-based): chrX:22,247,919-22,247,928, TGAACAGAGG deleted. VCF-style (leftmost placement, unchanged base first): chrX-22247918-ATGAACAGAGG-A. GRCh37 (hg19) VCF-style: chrX-22266035-ATGAACAGAGG-A.
Other names: c.*51_*60del (NM_001282754.2); short protein forms M739fs.
Identifiers: ClinVar variation 2074826 (VCV002074826.4), dbSNP rs2518713930, ClinGen allele CA2580100499.
Genomic context (GRCh38, chrX:22,247,918, plus strand): 5'-GGTGCAATTAGTAACTTTGAAGAATTCCAGAAAGCTTTTAACTGTCCACCCAATTCCACG[ATGAACAGAGG>A]CATGGACTCCTGCCGACTCTGGTAGCTGGGACGCTGGTTTATGGCATCCTGAGACAGTTG-3'

ClinVar aggregate classification (germline): Pathogenic (1 of 4 stars; one submission).

Submission:

Labcorp Genetics (formerly Invitae), Labcorp
Classification: Pathogenic. Last evaluated: 2022-01-04. Review status: criteria provided, single submitter. Criteria: Invitae Variant Classification Sherloc (09022015). Collection method: clinical testing. Allele origin: germline.
Comment: This sequence change results in a frameshift in the PHEX gene (p.Met739Thrfs*29). While this is not anticipated to result in nonsense mediated decay, it is expected to disrupt the last 11 amino acid(s) of the PHEX protein and extend the protein by 17 additional amino acid residues. This variant is not present in population databases (gnomAD no frequency). This variant has not been reported in the literature in individuals affected with PHEX-related conditions. This variant disrupts a region of the PHEX protein in which other variant(s) (p.Arg747*) have been determined to be pathogenic (PMID: 9199930, 9768674). This suggests that this is a clinically significant region of the protein, and that variants that disrupt it are likely to be disease-causing. For these reasons, this variant has been classified as Pathogenic.

Literature cited by the submitters: PubMed 9199930; PubMed 9768674.